The following is an entry in ClinVar:

NM_017849.4(TMEM127):c.379C>G (p.Arg127Gly)

Gene: TMEM127 (transmembrane protein 127; minus strand). Cytogenetic location: 2q11.2.
Variant type: single nucleotide variant.
Coding change: c.379C>G on transcript NM_017849.4 (MANE Select); coding-DNA position 379, C replaced by G.
Protein change: p.Arg127Gly; replaces arginine 127 with glycine.
Molecular consequence: missense variant.
Genome position (GRCh38, 1-based): chr2:96,254,863, G>C on the plus strand (C>G on the coding strand, the complement: TMEM127 is on the minus strand). VCF-style: chr2-96254863-G-C. GRCh37 (hg19) VCF-style: chr2-96920601-G-C.
Other names: c.379C>G, p.Arg127Gly (NM_001193304.3); c.127C>G, p.Arg43Gly (NM_001407282.1, NM_001407283.1); short protein forms R127G, R43G.
Identifiers: ClinVar variation 2959581 (VCV002959581.3), dbSNP rs746883021, ClinGen allele CA347653306.

ClinVar aggregate classification (germline): Uncertain significance (1 of 4 stars; one submission).

Conditions:
Hereditary pheochromocytoma and paraganglioma. Also called: Hereditary paragangliomas and pheochromocytomas; Hereditary Paraganglioma-Pheochromocytoma Syndromes; Hereditary pheochromocytoma-paraganglioma. Identifiers: Orphanet 29072, MedGen C4274332, MONDO:0017366.

gnomAD v4.1: 1 of 1,614,088 alleles (0.000062%); highest among the groups gnomAD compares: Non-Finnish European, 0.000085%; no homozygotes.

Submission:

Labcorp Genetics (formerly Invitae), Labcorp
Classification: Uncertain significance for Hereditary pheochromocytoma and paraganglioma. Last evaluated: 2024-02-03. Review status: criteria provided, single submitter. Criteria: Invitae Variant Classification Sherloc (09022015). Collection method: clinical testing. Allele origin: germline.
Comment: This sequence change replaces arginine, which is basic and polar, with glycine, which is neutral and non-polar, at codon 127 of the TMEM127 protein (p.Arg127Gly). This variant is not present in population databases (gnomAD no frequency). This variant has not been reported in the literature in individuals affected with TMEM127-related conditions. An algorithm developed to predict the effect of missense changes on protein structure and function (PolyPhen-2) suggests that this variant is likely to be tolerated. In summary, the available evidence is currently insufficient to determine the role of this variant in disease. Therefore, it has been classified as a Variant of Uncertain Significance.